The following is an entry in ClinVar:

ClinVar aggregate classification (germline): Pathogenic (1 of 4 stars; one submission).

Conditions:
Hereditary breast ovarian cancer syndrome. Also called: Hereditary breast and ovarian cancer; Hereditary breast and ovarian cancer syndrome (HBOC); Breast and ovarian cancer; Hereditary breast and ovarian cancer syndrome; Hereditary breast and/or ovarian cancer syndrome; BRCA1- and BRCA2-Associated Hereditary Breast and Ovarian Cancer. Identifiers: Orphanet 145, MedGen C0677776, MeSH D061325, MONDO:0003582. Disease mechanism: loss of function.

Submission:

Labcorp Genetics (formerly Invitae), Labcorp
Classification: Pathogenic for Hereditary breast ovarian cancer syndrome. Last evaluated: 2021-08-01. Review status: criteria provided, single submitter. Criteria: Invitae Variant Classification Sherloc (09022015). Collection method: clinical testing. Allele origin: germline.
Comment: This variant is a gross deletion of the genomic region encompassing exon(s) 11 of the BRCA2 gene. This variant would be expected to be in-frame, preserving the integrity of the reading frame. A similar copy number variant has been observed in individual(s) with personal and/or family history of breast and/or ovarian cancer (PMID: 30630528). Algorithms developed to predict the effect of variants on protein structure and function are not available or were not evaluated for this variant. Experimental studies have shown that a similar copy number variant affects BRCA2 function (PMID: 32398771). This variant disrupts the BRC repeats of the BRCA2 protein, which are critical for binding to RAD51 in the DNA repair response (PMID: 9405383, 32398771). For these reasons, this variant has been classified as Pathogenic.

Literature cited by the submitters: PubMed 30630528; PubMed 32398771; PubMed 9405383.

NC_000013.10:g.(?_32910382)_(32915353_?)del

Gene: BRCA2 (BRCA2 DNA repair associated; plus strand). Cytogenetic location: 13q13.1.
Variant type: Deletion.
Identifiers: ClinVar variation 1454446 (VCV001454446.2).